The following is an entry in ClinVar:

ClinVar aggregate classification (germline): Conflicting classifications of pathogenicity. Review status: criteria provided, conflicting classifications (1 of 4 stars). 6 submissions from 6 submitters: Likely pathogenic (1); Uncertain significance (5). Last evaluated 2026-05-20.

Conditions:
Wilson disease (WND). Also called: Wilson's disease. Identifiers: Orphanet 905, MedGen C0019202, MONDO:0010200, OMIM 277900. Disease mechanism: loss of function.

Allele frequency attached by ClinVar (database versions not stated): gnomAD exomes 0.00001.
gnomAD v4.1: 8 of 1,614,014 alleles (0.0005%); highest among the groups gnomAD compares: Non-Finnish European, 0.00059%; no homozygotes.

Submissions (6):

Myriad Genetics, Inc.
Classification: Uncertain significance for Wilson disease. Last evaluated: 2026-05-20. Review status: criteria provided, single submitter. Criteria: Myriad Autosomal Dominant, Autosomal Recessive and X-Linked Classification Criteria (2023). Collection method: clinical testing. Allele origin: unknown.
Comment: NM_000053.3(ATP7B):c.2518C>A(P840T) is a missense variant classified as a variant of uncertain significance in the context of Wilson disease. P840T has not been observed in cases with relevant disease. Relevant functional assessments of this variant are not available in the literature. P840T has been observed in referenced population frequency databases. In summary, there is insufficient evidence to classify NM_000053.3(ATP7B):c.2518C>A(P840T) as pathogenic or benign. Please note: this variant was assessed in the context of healthy population screening.

Color Diagnostics, LLC DBA Color Health
Classification: Uncertain significance for Wilson disease. Last evaluated: 2025-06-11. Review status: criteria provided, single submitter. Criteria: ACMG Guidelines, 2015. Collection method: clinical testing. Allele origin: germline.
Comment: This missense variant replaces proline with threonine at codon 840 of the ATP7B protein. Computational prediction suggests that this variant may have deleterious impact on protein structure and function. To our knowledge, functional studies have not been reported for this variant. This variant has not been reported in individuals affected with ATP7B-related disorders in the literature. This variant has been identified in 2/249536 chromosomes in the general population by the Genome Aggregation Database (gnomAD). A different missense variant occurring at the same codon, p.Pro840Leu, is reported to be disease-causing (ClinVar variation ID: 188879). The available evidence is insufficient to determine the role of this variant in disease conclusively. Therefore, this variant is classified as a Variant of Uncertain Significance.

All of Us Research Program, National Institutes of Health
Classification: Uncertain significance for Wilson disease. Last evaluated: 2023-10-27. Review status: criteria provided, single submitter. Criteria: ACMG Guidelines, 2015. Collection method: clinical testing. Allele origin: germline. Inheritance: Autosomal recessive inheritance. Observed: 3 variant alleles, 3 heterozygotes.
Comment: This missense variant replaces proline with threonine at codon 840 of the ATP7B protein. Computational prediction suggests that this variant may have deleterious impact on protein structure and function (internally defined REVEL score threshold >= 0.7, PMID: 27666373). To our knowledge, functional studies have not been reported for this variant. This variant has not been reported in individuals affected with ATP7B-related disorders in the literature. This variant has been identified in 2/249536 chromosomes in the general population by the Genome Aggregation Database (gnomAD). A different missense variant occurring at the same codon, p.Pro840Leu, is reported to be disease-causing (ClinVar variation ID: 188879). The available evidence is insufficient to determine the role of this variant in disease conclusively. Therefore, this variant is classified as a Variant of Uncertain Significance.

This study involves interpretation of variants in research participants for the purpose of population health screening. Participant phenotype was not available at the time of variant classification. Additional details can be found in publication PMID: 35346344, PMCID: PMC8962531

Labcorp Genetics (formerly Invitae), Labcorp
Classification: Likely pathogenic for Wilson disease. Last evaluated: 2021-12-24. Review status: criteria provided, single submitter. Criteria: Invitae Variant Classification Sherloc (09022015). Collection method: clinical testing. Allele origin: germline.
Comment: This sequence change replaces proline, which is neutral and non-polar, with threonine, which is neutral and polar, at codon 840 of the ATP7B protein (p.Pro840Thr). This variant is present in population databases (no rsID available, gnomAD 0.002%). This variant has not been reported in the literature in individuals affected with ATP7B-related conditions. ClinVar contains an entry for this variant (Variation ID: 1067808). Advanced modeling of protein sequence and biophysical properties (such as structural, functional, and spatial information, amino acid conservation, physicochemical variation, residue mobility, and thermodynamic stability) performed at Invitae indicates that this missense variant is expected to disrupt ATP7B protein function. This variant disrupts the p.Pro840 amino acid residue in ATP7B. Other variant(s) that disrupt this residue have been determined to be pathogenic (PMID: 10544227, 17272994, 22720273). This suggests that this residue is clinically significant, and that variants that disrupt this residue are likely to be disease-causing. In summary, the currently available evidence indicates that the variant is pathogenic, but additional data are needed to prove that conclusively. Therefore, this variant has been classified as Likely Pathogenic.

Genome-Nilou Lab
Classification: Uncertain significance for Wilson disease. Last evaluated: 2021-08-10. Review status: criteria provided, single submitter. Criteria: ACMG Guidelines, 2015. Collection method: clinical testing. Allele origin: germline. Affected: no.

Mayo Clinic Laboratories, Mayo Clinic
Classification: Uncertain significance. Last evaluated: 2020-10-01. Review status: criteria provided, single submitter. Criteria: ACMG Guidelines, 2015. Collection method: clinical testing. Allele origin: germline. Observed: 1 variant allele.

Literature cited by the submitters: PubMed 10544227 (cited by Labcorp Genetics (formerly Invitae), Labcorp); PubMed 17272994 (cited by Labcorp Genetics (formerly Invitae), Labcorp); PubMed 22720273 (cited by Labcorp Genetics (formerly Invitae), Labcorp).

NM_000053.4(ATP7B):c.2518C>A (p.Pro840Thr)

Gene: ATP7B (ATPase copper transporting beta; minus strand). Cytogenetic location: 13q14.3.
Variant type: single nucleotide variant.
Coding change: c.2518C>A on transcript NM_000053.4 (MANE Select); coding-DNA position 2518, C replaced by A.
Protein change: p.Pro840Thr; replaces proline 840 with threonine.
Molecular consequence: missense variant.
Genome position (GRCh38, 1-based): chr13:51,950,329, G>T on the plus strand (C>A on the coding strand, the complement: ATP7B is on the minus strand). VCF-style: chr13-51950329-G-T. GRCh37 (hg19) VCF-style: chr13-52524465-G-T.
Other names: c.2032C>A, p.Pro678Thr (NM_001005918.3); c.2185C>A, p.Pro729Thr (NM_001243182.2); c.2284C>A, p.Pro762Thr (NM_001330578.2); c.2266C>A, p.Pro756Thr (NM_001330579.2); short protein forms P678T, P729T, P756T, P762T, P840T.
Identifiers: ClinVar variation 1067808 (VCV001067808.16), dbSNP rs1017756733, ClinGen allele CA250058560.